The following is an entry in ClinVar:

ClinVar aggregate classification (germline): Pathogenic. Review status: criteria provided, multiple submitters, no conflicts (2 of 4 stars). 2 submissions from 2 submitters: Pathogenic (2). Last evaluated 2026-04-21.

Conditions:
X-linked agammaglobulinemia with growth hormone deficiency (IGHD3). Also called: AGAMMAGLOBULINEMIA AND ISOLATED GROWTH HORMONE DEFICIENCY, X-LINKED; FLEISHER SYNDROME; HYPOGAMMAGLOBULINEMIA AND ISOLATED GROWTH HORMONE DEFICIENCY, X-LINKED; IGHD III; Isolated growth hormone deficiency type 3; Growth hormone deficiency with hypogammaglobulinemia. Identifiers: Orphanet 231692, Orphanet 631, MedGen C0472813, MONDO:0010615, OMIM 307200.
X-linked agammaglobulinemia (XLA). Also called: Agammaglobulinemia, Bruton tyrosine kinase; Agammaglobulinemia, BTK; BTK-deficiency; Bruton-type agammaglobulinemia; IMMUNODEFICIENCY 1; Bruton's agammaglobulinemia. Identifiers: Orphanet 229717, Orphanet 47, MedGen C0221026, MONDO:0010421, OMIM 300755.

Submissions (3):

Women's Health and Genetics/Laboratory Corporation of America, LabCorp
Classification: Pathogenic for X-linked agammaglobulinemia. Last evaluated: 2026-04-21. Review status: criteria provided, single submitter. Criteria: LabCorp Variant Classification Summary - May 2015. Collection method: clinical testing. Allele origin: germline.
Comment: Variant summary: BTK c.588+1G>T is located in a canonical splice-site and is predicted to affect mRNA splicing resulting in a significantly altered protein due to either exon skipping, shortening, or inclusion of intronic material. Variants that disrupt the consensus splice site are a relatively common cause of aberrant splicing and loss of BTK function. The variant was absent in 183471 control chromosomes. To our knowledge, no occurrence of c.588+1G>T in individuals affected with BTK-related conditions and no experimental evidence demonstrating its impact on protein function have been reported. A different variant at the same splice site has been classified as pathogenic (c.588+1G>A). ClinVar contains an entry for this variant (Variation ID: 632729). Based on the evidence outlined above, the variant was classified as pathogenic.

Labcorp Genetics (formerly Invitae), Labcorp
Classification: Pathogenic for X-linked agammaglobulinemia with growth hormone deficiency. Last evaluated: 2019-11-27. Review status: criteria provided, single submitter. Criteria: Invitae Variant Classification Sherloc (09022015). Collection method: clinical testing. Allele origin: germline.
Comment: This variant is not present in population databases (ExAC no frequency). For these reasons, this variant has been classified as Pathogenic. Donor and acceptor splice site variants typically lead to a loss of protein function (PMID: 16199547), and loss-of-function variants in BTK are known to be pathogenic (PMID: 15661032, 16862044, 19419768). Algorithms developed to predict the effect of sequence changes on RNA splicing suggest that this variant may disrupt the consensus splice site, but this prediction has not been confirmed by published transcriptional studies. Disruption of this splice site has been observed in individuals affected with agammaglobulinemia (PMID: 9445504, 19419768). ClinVar contains an entry for this variant (Variation ID: 632729). This sequence change affects a donor splice site in intron 7 of the BTK gene. It is expected to disrupt RNA splicing and likely results in an absent or disrupted protein product.

Dr. Peter K. Rogan Lab, Western University
No classification provided (evidence only). Condition: Thyroid cancer, nonmedullary, 1. Review status: no classification provided. Collection method: in vitro. Allele origin: not applicable. Functional consequence: retained intron. Not counted in ClinVar's aggregate classification.

Literature cited by the submitters: PubMed 16199547 (cited by Labcorp Genetics (formerly Invitae), Labcorp); PubMed 15661032 (cited by Labcorp Genetics (formerly Invitae), Labcorp); PubMed 16862044 (cited by Labcorp Genetics (formerly Invitae), Labcorp); PubMed 19419768 (cited by Labcorp Genetics (formerly Invitae), Labcorp); PubMed 9445504 (cited by Labcorp Genetics (formerly Invitae), Labcorp).

NM_000061.3(BTK):c.588+1G>T

Gene: BTK (Bruton tyrosine kinase; minus strand). Cytogenetic location: Xq22.1.
Variant type: single nucleotide variant.
Coding change: c.588+1G>T on transcript NM_000061.3 (MANE Select); the canonical splice donor site of the intron after coding-DNA position 588, G replaced by T.
Molecular consequence: splice donor variant.
Genome position (GRCh38, 1-based): chrX:101,362,172, C>A on the plus strand (G>T on the coding strand, the complement: BTK is on the minus strand). VCF-style: chrX-101362172-C-A. GRCh37 (hg19) VCF-style: chrX-100617160-C-A.
Other names: c.690+1G>T (NM_001287344.2); c.588+1G>T (NM_001287345.2).
Identifiers: ClinVar variation 632729 (VCV000632729.13), dbSNP rs1569293252, ClinGen allele CA413933900.